The following is an entry in ClinVar:

ClinVar aggregate classification (germline): Pathogenic (1 of 4 stars; one submission).

Conditions:
Coffin-Siris syndrome 12. Identifiers: MedGen C5444111, MONDO:0025699, OMIM 619325.

Submission:

Victorian Clinical Genetics Services, Murdoch Childrens Research Institute
Classification: Pathogenic for Coffin-Siris syndrome 12. Last evaluated: 2024-12-24. Review status: criteria provided, single submitter. Criteria: ACMG Guidelines, 2015. Collection method: clinical testing. Allele origin: germline. Affected: yes.
Comment: This variant is classified as Pathogenic. Evidence in support of pathogenic classification: Variant is predicted to cause nonsense-mediated decay (NMD) and loss of protein (premature termination codon is located at least 54 nucleotides upstream of the final exon-exon junction); Variant is absent from gnomAD (v2, v3 and v4); Other NMD-predicted variants comparable to the one identified in this case have very strong previous evidence for pathogenicity (ClinVar, DECIPHER); Additional information: This variant is heterozygous; This gene is associated with autosomal dominant disease; This variant has no previous evidence of pathogenicity; No published segregation evidence has been identified for this variant; No published functional evidence has been identified for this variant; Loss of function is a known mechanism of disease in this gene and is associated with Coffin-Siris syndrome 12 (MIM#619325).

NM_001394372.1(BICRA):c.848_849del (p.Gln283fs)

Gene: BICRA (BRD4 interacting chromatin remodeling complex associated protein; plus strand). Cytogenetic location: 19q13.33.
Variant type: Deletion.
Coding change: c.848_849del on transcript NM_001394372.1 (MANE Select); coding-DNA positions 848 to 849, 2 bases deleted (AG; older notation c.848_849delAG).
Protein change: p.Gln283fs; shifts the reading frame from glutamine 283.
Molecular consequence: frameshift variant.
Genome position (GRCh38, 1-based): chr19:47,680,018-47,680,019, AG deleted. VCF-style (leftmost placement, unchanged base first): chr19-47680017-CAG-C. GRCh37 (hg19) VCF-style: chr19-48183274-CAG-C.
Other names: c.848_849del, p.Gln283fs (NM_015711.3); short protein forms Q283fs.
Identifiers: ClinVar variation 4531729 (VCV004531729.1).